The following is an entry in ClinVar:

ClinVar aggregate classification (germline): Uncertain significance (1 of 4 stars; one submission).

Conditions:
Cyclical neutropenia. Also called: Cyclic hematopoiesis; Cyclic Neutropenia. Identifiers: Orphanet 2686, MedGen C0221023, MONDO:0008090, OMIM 162800, HP:0040289. Disease mechanism: loss of function.
Neutropenia, severe congenital, 1, autosomal dominant. Identifiers: MedGen C1859966, MONDO:0042490, OMIM 202700.

Submission:

Labcorp Genetics (formerly Invitae), Labcorp
Classification: Uncertain significance for Neutropenia, severe congenital, 1, autosomal dominant; Cyclical neutropenia. Last evaluated: 2022-08-15. Review status: criteria provided, single submitter. Criteria: Invitae Variant Classification Sherloc (09022015). Collection method: clinical testing. Allele origin: germline.
Comment: This variant, c.437_457dup, results in the insertion of 7 amino acid(s) of the ELANE protein (p.Gly146_Leu152dup), but otherwise preserves the integrity of the reading frame. This variant is not present in population databases (gnomAD no frequency). This variant has been observed in individual(s) with neutropenia (Invitae). It has also been observed to segregate with disease in related individuals. ClinVar contains an entry for this variant (Variation ID: 1374105). Experimental studies and prediction algorithms are not available or were not evaluated, and the functional significance of this variant is currently unknown. In summary, the available evidence is currently insufficient to determine the role of this variant in disease. Therefore, it has been classified as a Variant of Uncertain Significance.

NM_001972.4(ELANE):c.437_457dup (p.Gly146_Leu152dup)

Gene: ELANE (elastase, neutrophil expressed; plus strand). Cytogenetic location: 19p13.3.
Variant type: Duplication.
Coding change: c.437_457dup on transcript NM_001972.4 (MANE Select); coding-DNA positions 437 to 457, 21 bases duplicated (GCAACGGGGTGCAGTGCCTGG).
Protein change: p.Gly146_Leu152dup.
Molecular consequence: inframe insertion.
Genome position (GRCh38, 1-based): chr19:855,634-855,654, GCAACGGGGTGCAGTGCCTGG duplicated; duplicating any 21 consecutive bases within chr19:855,628-855,654 gives the same sequence; the c. name uses the placement nearest the transcript's 3' end. VCF-style (leftmost placement, unchanged base first): chr19-855627-C-CGCCTGGGCAACGGGGTGCAGT. GRCh37 (hg19) VCF-style: chr19-855627-C-CGCCTGGGCAACGGGGTGCAGT.
Identifiers: ClinVar variation 1374105 (VCV001374105.6), dbSNP rs2145148571, ClinGen allele CA2573155744.